The following is an entry in ClinVar:

NM_016729.3(FOLR1):c.508G>A (p.Ala170Thr)

Genes: FOLR1 (folate receptor alpha; plus strand), FOLR1-AS1 (FOLR1 antisense RNA 1; minus strand). Cytogenetic location: 11q13.4.
Variant type: single nucleotide variant.
Coding change: c.508G>A on transcript NM_016729.3 (MANE Select); coding-DNA position 508, G replaced by A.
Protein change: p.Ala170Thr; replaces alanine 170 with threonine.
Molecular consequence: missense variant.
Genome position (GRCh38, 1-based): chr11:72,195,911, G>A. VCF-style: chr11-72195911-G-A. GRCh37 (hg19) VCF-style: chr11-71906955-G-A.
Other names: p.A170T:GCA>ACA; c.508G>A, p.Ala170Thr (NM_000802.3, NM_016724.3, NM_016725.3); short protein forms A170T.
Identifiers: ClinVar variation 205460 (VCV000205460.32), dbSNP rs139633601, ClinGen allele CA314559.

ClinVar aggregate classification (germline): Conflicting classifications of pathogenicity. Review status: criteria provided, conflicting classifications (1 of 4 stars). 9 submissions from 9 submitters: Uncertain significance (2); Benign (2); Likely benign (4). 1 of the submissions does not count toward it. Last evaluated 2026-01-19.

Conditions:
Inborn genetic diseases. Identifiers: MedGen C0950123, MeSH D030342.
Cerebral folate transport deficiency. Also called: Neurodegenerative syndrome due to cerebral folate transport deficiency; FOLR1-Related Cerebral Folate Transport Deficiency; FOLATE RECEPTOR DEFICIENCY; NEURODEGENERATION DUE TO CEREBRAL FOLATE TRANSPORT DEFICIENCY; Cerebral folate deficiency syndrome. Identifiers: Orphanet 217382, MedGen C2751584, MONDO:0013110, OMIM 613068. Disease mechanism: loss of function.
FOLR1-related disorder. Also called: FOLR1-related condition.

Allele frequency attached by ClinVar (database versions not stated): gnomAD exomes 0.00037; ExAC 0.00049; 1000 Genomes Project 30x 0.00078; 1000 Genomes Project 0.00100; gnomAD 0.00157 and 0.00172; ESP Exome Variant Server 0.00169; TOPMed 0.00179.
gnomAD v4.1: 464 of 1,614,212 alleles (0.029%); highest among the groups gnomAD compares: African/African-American, 0.54%; 2 homozygotes.

Submissions (9):

Labcorp Genetics (formerly Invitae), Labcorp
Classification: Likely benign for Cerebral folate transport deficiency. Last evaluated: 2026-01-19. Review status: criteria provided, single submitter. Criteria: Invitae Variant Classification Sherloc (09022015). Collection method: clinical testing. Allele origin: germline.

Women's Health and Genetics/Laboratory Corporation of America, LabCorp
Classification: Likely benign. Last evaluated: 2025-02-18. Review status: criteria provided, single submitter. Criteria: LabCorp Variant Classification Summary - May 2015. Collection method: clinical testing. Allele origin: germline.
Comment: Variant summary: FOLR1 c.508G>A (p.Ala170Thr) results in a non-conservative amino acid change in the encoded protein sequence. Three of five in-silico tools predict a benign effect of the variant on protein function. The variant allele was found at a frequency of 0.00037 in 251464 control chromosomes, predominantly at a frequency of 0.005 within the African or African-American subpopulation in the gnomAD database. The observed variant frequency within African or African-American control individuals in the gnomAD database exceeds the estimated maximal expected allele frequency for a pathogenic variant in FOLR1 causing Cerebral folate transport deficiency phenotype. To our knowledge, no occurrence of c.508G>A in individuals affected with Cerebral folate transport deficiency and no experimental evidence demonstrating its impact on protein function have been reported. ClinVar contains an entry for this variant (Variation ID: 205460). Based on the evidence outlined above, the variant was classified as likely benign.

Ambry Genetics
Classification: Benign for Inborn genetic diseases. Last evaluated: 2022-05-03. Review status: criteria provided, single submitter. Criteria: Ambry Variant Classification Scheme 2023. Collection method: clinical testing. Allele origin: germline.

GeneDx
Classification: Likely benign. Last evaluated: 2020-09-24. Review status: criteria provided, single submitter. Criteria: GeneDx Variant Classification Process June 2021. Collection method: clinical testing. Allele origin: germline. Affected: yes.

Genetic Services Laboratory, University of Chicago
Classification: Uncertain significance. Last evaluated: 2019-07-03. Review status: criteria provided, single submitter. Criteria: ACMG Guidelines, 2015. Collection method: clinical testing. Allele origin: germline. Affected: no.

Athena Diagnostics
Classification: Benign. Last evaluated: 2018-11-29. Review status: criteria provided, single submitter. Criteria: Athena Diagnostics Criteria. Collection method: clinical testing. Allele origin: germline.

Illumina Laboratory Services, Illumina
Classification: Likely benign for Cerebral folate transport deficiency. Last evaluated: 2018-01-13. Review status: criteria provided, single submitter. Criteria: ICSL Variant Classification Criteria 13 December 2019. Collection method: clinical testing. Allele origin: germline.
Comment: This variant was observed in the ICSL laboratory as part of a predisposition screen in an ostensibly healthy population. It had not been previously curated by ICSL or reported in the Human Gene Mutation Database (HGMD: prior to June 1st, 2018), and was therefore a candidate for classification through an automated scoring system. Utilizing variant allele frequency, disease prevalence and penetrance estimates, and inheritance mode, an automated score was calculated to assess if this variant is too frequent to cause the disease. Based on the score and internal cut-off values, a variant classified as likely benign is not then subjected to further curation. The score for this variant resulted in a classification of likely benign for this disease.

Eurofins Ntd Llc (ga)
Classification: Uncertain significance. Last evaluated: 2015-09-08. Review status: criteria provided, single submitter. Criteria: EGL Classification Definitions 2015. Collection method: clinical testing. Allele origin: germline. Observed: 3 variant alleles, 3 heterozygotes.

PreventionGenetics, part of Exact Sciences
Classification: Likely benign for FOLR1-related condition. Last evaluated: 2020-01-15. Review status: no assertion criteria provided. Collection method: clinical testing. Allele origin: germline. Not counted in ClinVar's aggregate classification.
Comment: This variant is classified as likely benign based on ACMG/AMP sequence variant interpretation guidelines (Richards et al. 2015 PMID: 25741868, with internal and published modifications).